The following is an entry in ClinVar:

NM_203486.3(DLL3):c.1204A>G (p.Asn402Asp)

Genes: DLL3 (delta like canonical Notch ligand 3; plus strand), LOC130064418 (ATAC-STARR-seq lymphoblastoid silent region 10609; plus strand). Cytogenetic location: 19q13.2.
Variant type: single nucleotide variant.
Coding change: c.1204A>G on transcript NM_203486.3 (MANE Select); coding-DNA position 1204, A replaced by G.
Protein change: p.Asn402Asp; replaces asparagine 402 with aspartic acid.
Molecular consequence: missense variant.
Genome position (GRCh38, 1-based): chr19:39,507,149, A>G. VCF-style: chr19-39507149-A-G. GRCh37 (hg19) VCF-style: chr19-39997789-A-G.
Other names: c.1204A>G, p.Asn402Asp (NM_016941.4); short protein forms N402D.
Identifiers: ClinVar variation 2015436 (VCV002015436.4), dbSNP rs2514648739, ClinGen allele CA405800469.

ClinVar aggregate classification (germline): Uncertain significance (1 of 4 stars; one submission).

Submission:

Labcorp Genetics (formerly Invitae), Labcorp
Classification: Uncertain significance. Last evaluated: 2023-08-04. Review status: criteria provided, single submitter. Criteria: Invitae Variant Classification Sherloc (09022015). Collection method: clinical testing. Allele origin: germline.
Comment: An algorithm developed to predict the effect of missense changes on protein structure and function (PolyPhen-2) suggests that this variant is likely to be disruptive. ClinVar contains an entry for this variant (Variation ID: 2015436). This variant has not been reported in the literature in individuals affected with DLL3-related conditions. In summary, the available evidence is currently insufficient to determine the role of this variant in disease. Therefore, it has been classified as a Variant of Uncertain Significance. This variant is not present in population databases (gnomAD no frequency). This sequence change replaces asparagine, which is neutral and polar, with aspartic acid, which is acidic and polar, at codon 402 of the DLL3 protein (p.Asn402Asp).